The following is an entry in ClinVar:

NM_007373.4(SHOC2):c.1162-16T>G

Gene: SHOC2 (SHOC2 leucine rich repeat scaffold protein; plus strand). Cytogenetic location: 10q25.2.
Variant type: single nucleotide variant.
Coding change: c.1162-16T>G on transcript NM_007373.4 (MANE Select); 16 bases into the intron before coding-DNA position 1162, T replaced by G.
Molecular consequence: intron variant.
Genome position (GRCh38, 1-based): chr10:111,007,515, T>G. VCF-style: chr10-111007515-T-G. GRCh37 (hg19) VCF-style: chr10-112767273-T-G.
Other names: c.1162-16T>G (NM_001324336.2, NM_001324337.2); c.1024-16T>G (NM_001269039.3).
Identifiers: ClinVar variation 260160 (VCV000260160.11), dbSNP rs376859485, ClinGen allele CA5689725.
Genomic context (GRCh38, chr10:111,007,515, plus strand): 5'-CTTTCCGAAGTGACAGGTATATATAGAACTTTGTTTTTGTGATTCTACCTTGGATGCTTC[T>G]TTTTGTCTTTGCCAGGACAATCAGTTAACATCACTTCCCTTGGATTTTGGAACTTGGACC-3'

ClinVar aggregate classification (germline): Benign/Likely benign. Review status: criteria provided, multiple submitters, no conflicts (2 of 4 stars). 4 submissions from 4 submitters: Benign (2); Likely benign (2). Last evaluated 2026-01-26.

Conditions:
RASopathy. Also called: rasopathies; Noonan spectrum disorder. Identifiers: Orphanet 536391, MedGen C5555857, MONDO:0021060.

Allele frequency attached by ClinVar (database versions not stated): gnomAD exomes 0.00002 and 0.00010; ExAC 0.00011; ESP Exome Variant Server 0.00015; TOPMed 0.00045; gnomAD 0.00048 and 0.00052.
gnomAD v4.1: 110 of 1,613,344 alleles (0.0068%); highest among the groups gnomAD compares: African/African-American, 0.13%; no homozygotes.

Submissions (4):

Labcorp Genetics (formerly Invitae), Labcorp
Classification: Benign for RASopathy. Last evaluated: 2026-01-26. Review status: criteria provided, single submitter. Criteria: Invitae Variant Classification Sherloc (09022015). Collection method: clinical testing. Allele origin: germline.

Blueprint Genetics
Classification: Likely benign. Last evaluated: 2022-05-11. Review status: criteria provided, single submitter. Criteria: ACMG Guidelines, 2015. Collection method: clinical testing. Allele origin: germline.

Women's Health and Genetics/Laboratory Corporation of America, LabCorp
Classification: Benign. Last evaluated: 2019-09-09. Review status: criteria provided, single submitter. Criteria: LabCorp Variant Classification Summary - May 2015. Collection method: clinical testing. Allele origin: germline.
Comment: Variant summary: SHOC2 c.1162-16T>G alters a non-conserved nucleotide located close to a canonical splice site and therefore could affect mRNA splicing, leading to a significantly altered protein sequence. 5/5 computational tools predict no significant impact on normal splicing. However, these predictions have yet to be confirmed by functional studies. The variant allele was found at a frequency of 9.5e-05 in 251340 control chromosomes, predominantly at a frequency of 0.0013 within the African or African-American subpopulation in the gnomAD database. The observed variant frequency within African or African-American control individuals in the gnomAD database is approximately 52 fold of the estimated maximal expected allele frequency for a pathogenic variant in SHOC2 causing Noonan Syndrome and Related Conditions phenotype (2.5e-05), strongly suggesting that the variant is a benign polymorphism found primarily in populations of African or African-American origin. A ClinVar submitter (submission after 2014) cites the variant as likely benign. Based on the evidence outlined above, the variant was classified as benign.

PreventionGenetics, part of Exact Sciences
Classification: Likely benign. Review status: criteria provided, single submitter. Criteria: ACMG Guidelines, 2015. Collection method: clinical testing. Allele origin: germline.